The following is an entry in ClinVar:

NM_032578.4(MYPN):c.2981T>C (p.Met994Thr)

Gene: MYPN (myopalladin; plus strand). Cytogenetic location: 10q21.3.
Variant type: single nucleotide variant.
Coding change: c.2981T>C on transcript NM_032578.4 (MANE Select); coding-DNA position 2981, T replaced by C.
Protein change: p.Met994Thr; replaces methionine 994 with threonine.
Molecular consequence: missense variant. On other transcripts: non-coding transcript variant (2).
Genome position (GRCh38, 1-based): chr10:68,194,418, T>C. VCF-style: chr10-68194418-T-C. GRCh37 (hg19) VCF-style: chr10-69954175-T-C.
Other names: c.2981T>C, p.Met994Thr (NM_001256267.2); c.2099T>C, p.Met700Thr (NM_001256268.2); short protein forms M994T, M700T.
Identifiers: ClinVar variation 191756 (VCV000191756.6), dbSNP rs786205348, ClinGen allele CA237469.

ClinVar aggregate classification (germline): Uncertain significance. Review status: criteria provided, multiple submitters, no conflicts (2 of 4 stars). 3 submissions from 3 submitters: Uncertain significance (3). Last evaluated 2022-03-18.

Conditions:
Dilated cardiomyopathy 1KK (CMD1KK). Identifiers: Orphanet 154, Orphanet 75249, MedGen C3714995, MONDO:0014100, OMIM 615248.
Cardiovascular phenotype. Identifiers: MedGen CN230736.

Allele frequency attached by ClinVar (database versions not stated): TOPMed below 0.00001; gnomAD 0.00001; gnomAD exomes 0.00002.
gnomAD v4.1: 20 of 1,613,722 alleles (0.0012%); highest among the groups gnomAD compares: Non-Finnish European, 0.0014%; no homozygotes.

Submissions (3):

Labcorp Genetics (formerly Invitae), Labcorp
Classification: Uncertain significance for Dilated cardiomyopathy 1KK. Last evaluated: 2022-03-18. Review status: criteria provided, single submitter. Criteria: Invitae Variant Classification Sherloc (09022015). Collection method: clinical testing. Allele origin: germline.
Comment: This sequence change replaces methionine, which is neutral and non-polar, with threonine, which is neutral and polar, at codon 994 of the MYPN protein (p.Met994Thr). This variant is not present in population databases (gnomAD no frequency). This variant has not been reported in the literature in individuals affected with MYPN-related conditions. ClinVar contains an entry for this variant (Variation ID: 191756). Algorithms developed to predict the effect of missense changes on protein structure and function are either unavailable or do not agree on the potential impact of this missense change (SIFT: "Tolerated"; PolyPhen-2: "Probably Damaging"; Align-GVGD: "Class C0"). In summary, the available evidence is currently insufficient to determine the role of this variant in disease. Therefore, it has been classified as a Variant of Uncertain Significance.

Ambry Genetics
Classification: Uncertain significance for Cardiovascular phenotype. Last evaluated: 2020-03-18. Review status: criteria provided, single submitter. Criteria: Ambry Variant Classification Scheme 2023. Collection method: clinical testing. Allele origin: germline.
Comment: The p.M994T variant (also known as c.2981T>C), located in coding exon 13 of the MYPN gene, results from a T to C substitution at nucleotide position 2981. The methionine at codon 994 is replaced by threonine, an amino acid with similar properties. This alteration has been reported as a secondary cardiac variant in an exome cohort (Ng D et al. Circ Cardiovasc Genet, 2013 Aug;6:337-46). This amino acid position is well conserved in available vertebrate species. In addition, the in silico prediction for this alteration is inconclusive. Since supporting evidence is limited at this time, the clinical significance of this alteration remains unclear.

Biesecker Lab/Clinical Genomics Section, National Institutes of Health
Classification: Uncertain significance. Last evaluated: 2013-06-24. Review status: criteria provided, single submitter. Criteria: Ng et al. (Circ Cardiovasc Genet. 2013). Collection method: research. Allele origin: unknown. Observed: 1 variant allele. Study: ClinSeq.
Comment: The study set was not selected for affection status in relation to any cancer. Pathogenicity categories were based on literature curation. See Pubmed ID:23861362 for details.

Medical sequencing

Literature cited by the submitters: PubMed 23861362 (cited by Ambry Genetics).